The following is an entry in ClinVar:

ClinVar aggregate classification (germline): Uncertain significance (1 of 4 stars; one submission).

Conditions:
Nemaline myopathy 2 (NEM2). Also called: Nemaline myopathy 2, autosomal recessive. Identifiers: MedGen C1850569, MONDO:0009725, OMIM 256030.

Allele frequency attached by ClinVar (database versions not stated): gnomAD exomes below 0.00001 and 0.00001; ExAC 0.00001.
gnomAD v4.1: 10 of 1,613,786 alleles (0.00062%); highest among the groups gnomAD compares: Non-Finnish European, 0.00076%; no homozygotes.

Submission:

Labcorp Genetics (formerly Invitae), Labcorp
Classification: Uncertain significance for Nemaline myopathy 2. Last evaluated: 2021-08-30. Review status: criteria provided, single submitter. Criteria: Invitae Variant Classification Sherloc (09022015). Collection method: clinical testing. Allele origin: germline.
Comment: This sequence change replaces serine with phenylalanine at codon 5766 of the NEB protein (p.Ser5766Phe). The serine residue is moderately conserved and there is a large physicochemical difference between serine and phenylalanine. This variant is present in population databases (rs745836611, ExAC 0.002%). This variant has not been reported in the literature in individuals affected with NEB-related conditions. Algorithms developed to predict the effect of missense changes on protein structure and function are either unavailable or do not agree on the potential impact of this missense change (SIFT: "Deleterious"; PolyPhen-2: "Not Available"; Align-GVGD: "Class C0"). In summary, the available evidence is currently insufficient to determine the role of this variant in disease. Therefore, it has been classified as a Variant of Uncertain Significance.

NM_001164508.2(NEB):c.17297C>T (p.Ser5766Phe)

Gene: NEB (nebulin; minus strand). Cytogenetic location: 2q23.3.
Variant type: single nucleotide variant.
Coding change: c.17297C>T on transcript NM_001164508.2 (MANE Select); coding-DNA position 17297, C replaced by T.
Protein change: p.Ser5766Phe; replaces serine 5766 with phenylalanine.
Molecular consequence: missense variant.
Genome position (GRCh38, 1-based): chr2:151,570,214, G>A on the plus strand (C>T on the coding strand, the complement: NEB is on the minus strand). VCF-style: chr2-151570214-G-A. GRCh37 (hg19) VCF-style: chr2-152426728-G-A.
Other names: c.17297C>T, p.Ser5766Phe (NM_001164507.2, NM_001271208.2); c.12194C>T, p.Ser4065Phe (NM_004543.5); short protein forms S4065F, S5766F.
Identifiers: ClinVar variation 846821 (VCV000846821.7), dbSNP rs745836611, ClinGen allele CA1908249.